The following is an entry in ClinVar:

NM_017721.5(CC2D1A):c.1018+2T>C

Gene: CC2D1A (coiled-coil and C2 domain containing 1A; plus strand). Cytogenetic location: 19p13.12.
Variant type: single nucleotide variant.
Coding change: c.1018+2T>C on transcript NM_017721.5 (MANE Select); the canonical splice donor site of the intron after coding-DNA position 1018, T replaced by C.
Molecular consequence: splice donor variant.
Genome position (GRCh38, 1-based): chr19:13,918,819, T>C. VCF-style: chr19-13918819-T-C. GRCh37 (hg19) VCF-style: chr19-14029632-T-C.
Other names: c.1018+2T>C (NM_001411138.1).
Identifiers: ClinVar variation 2771355 (VCV002771355.3), dbSNP rs2513093391, ClinGen allele CA404382505.
Genomic context (GRCh38, chr19:13,918,819, plus strand): 5'-AGACCCACCGTCACCACCGTCGCAGCCTCCGACCCCCGCTACGGCGCCCTCCACAACAGG[T>C]AGGTTCTGGGACCCTCTGGGGTTGGGGGCAGGCTGGAGCCAGACTGTCTACCCATCCGTT-3'

ClinVar aggregate classification (germline): Likely pathogenic (1 of 4 stars; one submission).

Allele frequency attached by ClinVar (database versions not stated): gnomAD exomes below 0.00001.
gnomAD v4.1: 1 of 1,613,298 alleles (0.000062%); no homozygotes.

Submission:

Labcorp Genetics (formerly Invitae), Labcorp
Classification: Likely pathogenic. Last evaluated: 2023-10-23. Review status: criteria provided, single submitter. Criteria: Invitae Variant Classification Sherloc (09022015). Collection method: clinical testing. Allele origin: germline.
Comment: This sequence change affects a donor splice site in intron 9 of the CC2D1A gene. It is expected to disrupt RNA splicing. Variants that disrupt the donor or acceptor splice site typically lead to a loss of protein function (PMID: 16199547), and loss-of-function variants in CC2D1A are known to be pathogenic (PMID: 16033914). This variant is not present in population databases (gnomAD no frequency). This variant has not been reported in the literature in individuals affected with CC2D1A-related conditions. In summary, the currently available evidence indicates that the variant is pathogenic, but additional data are needed to prove that conclusively. Therefore, this variant has been classified as Likely Pathogenic.

Literature cited by the submitters: PubMed 16199547; PubMed 16033914.